The following is an entry in ClinVar:

NM_007294.4(BRCA1):c.5071A>C (p.Thr1691Pro)

Gene: BRCA1 (BRCA1 DNA repair associated; minus strand). Cytogenetic location: 17q21.31.
Variant type: single nucleotide variant.
Coding change: c.5071A>C on transcript NM_007294.4 (MANE Select); coding-DNA position 5071, A replaced by C.
Protein change: p.Thr1691Pro; replaces threonine 1691 with proline.
Molecular consequence: missense variant. On other transcripts: non-coding transcript variant (1).
Genome position (GRCh38, 1-based): chr17:43,067,611, T>G on the plus strand (A>C on the coding strand, the complement: BRCA1 is on the minus strand). VCF-style: chr17-43067611-T-G. GRCh37 (hg19) VCF-style: chr17-41219628-T-G.
Other names: c.4858A>C, p.Thr1620Pro (NM_001407571.1, NM_001407894.1, NM_001407895.1 and 12 more transcripts); c.5137A>C, p.Thr1713Pro (NM_001407581.1, NM_001407582.1); c.5134A>C, p.Thr1712Pro (NM_001407583.1, NM_001407585.1, NM_001407587.1 and 1 more transcripts); c.5131A>C, p.Thr1711Pro (NM_001407590.1, NM_001407591.1); c.5071A>C, p.Thr1691Pro (NM_001407593.1, NM_001407594.1, NM_001407596.1 and 8 more transcripts); c.5068A>C, p.Thr1690Pro (NM_001407610.1, NM_001407621.1, NM_001407622.1 and 17 more transcripts); c.5065A>C, p.Thr1689Pro (NM_001407627.1, NM_001407628.1, NM_001407629.1 and 14 more transcripts); c.5062A>C, p.Thr1688Pro (NM_001407644.1, NM_001407645.1); and 70 more; short protein forms T1644P, T1712P, T587P, T1691P, T1522P, T1537P, T1643P, T1648P.
Identifiers: ClinVar variation 868591 (VCV000868591.3), dbSNP rs397509219, ClinGen allele CA10591378.

Conditions:
Breast-ovarian cancer, familial, susceptibility to, 1 (BROVCA1). Also called: BRCA1 Hereditary Breast and Ovarian Cancer; OVARIAN CANCER, SUSCEPTIBILITY TO. Identifiers: Orphanet 145, MedGen C2676676, MONDO:0011450, OMIM 604370. Disease mechanism: loss of function.

Submission:

Brotman Baty Institute, University of Washington
No classification provided (evidence only). Condition: Breast-ovarian cancer, familial 1. Review status: no classification provided. Collection method: in vitro. Allele origin: not applicable. Functional consequence: functionally_abnormal.
ClinVar note: "not provided" was previously submitted as the classification for the variant. However, the classification appeared to be based only on an observation of functional data so it was converted to no classification on 2025-07-30.